The following is an entry in ClinVar:

ClinVar aggregate classification (germline): Conflicting classifications of pathogenicity. Review status: criteria provided, conflicting classifications (1 of 4 stars). 3 submissions from 3 submitters: Uncertain significance (2); Likely benign (1). Last evaluated 2026-02-18.

Conditions:
Inborn genetic diseases. Identifiers: MedGen C0950123, MeSH D030342.

Allele frequency attached by ClinVar (database versions not stated): gnomAD 0.00002; TOPMed below 0.00001; ExAC 0.00001.

Submissions (3):

Dasa
Classification: Uncertain significance. Last evaluated: 2026-02-18. Review status: criteria provided, single submitter. Criteria: DASA Assertion Criteria. Collection method: clinical testing. Allele origin: germline.
Comment: NM_001273.5(CHD4):c.4891A>G (p.Met1631Val) is a missense variant that results in the substitution of methionine with valine. This variant is rare in population databases. The currently available literature and clinical evidence are not sufficient to establish a definitive association between this variant and the reported condition. Therefore, this variant is classified as a variant of uncertain significance.

Labcorp Genetics (formerly Invitae), Labcorp
Classification: Likely benign. Last evaluated: 2025-11-03. Review status: criteria provided, single submitter. Criteria: Invitae Variant Classification Sherloc (09022015). Collection method: clinical testing. Allele origin: germline.

Ambry Genetics
Classification: Uncertain significance for Inborn genetic diseases. Last evaluated: 2024-02-27. Review status: criteria provided, single submitter. Criteria: Ambry Variant Classification Scheme 2023. Collection method: clinical testing. Allele origin: germline.

NM_001273.5(CHD4):c.4891A>G (p.Met1631Val)

Genes: CHD4 (chromodomain helicase DNA binding protein 4; minus strand), CHD4-AS1 (CHD4 antisense RNA 1; plus strand). Cytogenetic location: 12p13.31.
Variant type: single nucleotide variant.
Coding change: c.4891A>G on transcript NM_001273.5 (MANE Select); coding-DNA position 4891, A replaced by G.
Protein change: p.Met1631Val; replaces methionine 1631 with valine.
Molecular consequence: missense variant.
Genome position (GRCh38, 1-based): chr12:6,581,062, T>C on the plus strand (A>G on the coding strand, the complement: CHD4 is on the minus strand). VCF-style: chr12-6581062-T-C. GRCh37 (hg19) VCF-style: chr12-6690228-T-C.
Other names: c.4870A>G, p.Met1624Val (NM_001297553.2); c.4852A>G, p.Met1618Val (NM_001363606.2); short protein forms M1618V, M1624V, M1631V.
Identifiers: ClinVar variation 3144136 (VCV003144136.4), dbSNP rs771783234, ClinGen allele CA6411407.